The following is an entry in ClinVar:

NM_000254.3(MTR):c.1076-11C>T

Gene: MTR (5-methyltetrahydrofolate-homocysteine methyltransferase; plus strand). Cytogenetic location: 1q43.
Variant type: single nucleotide variant.
Coding change: c.1076-11C>T on transcript NM_000254.3 (MANE Select); 11 bases into the intron before coding-DNA position 1076, C replaced by T.
Molecular consequence: intron variant.
Genome position (GRCh38, 1-based): chr1:236,831,955, C>T. VCF-style: chr1-236831955-C-T. GRCh37 (hg19) VCF-style: chr1-236995255-C-T.
Other names: c.1076-11C>T (NM_001291939.1); c.-34+2687C>T (NM_001291940.2).
Identifiers: ClinVar variation 382427 (VCV000382427.12), dbSNP rs186367553, ClinGen allele CA1473991.
Genomic context (GRCh38, chr1:236,831,955, plus strand): 5'-ATTTGTGTCTGTCTGTCTCATGTCATCCATATGCATTTGCAGAAATTTTTCAAAATGCTT[C>T]TCCTTTTAAGGTCTAGAGCCCTTCAGGATTGGACCGTACACCAACTTTGTTAACATTGGA-3'

ClinVar aggregate classification (germline): Benign/Likely benign. Review status: criteria provided, multiple submitters, no conflicts (2 of 4 stars). 3 submissions from 3 submitters: Benign (1); Likely benign (2). Last evaluated 2026-01-25.

Conditions:
Disorders of Intracellular Cobalamin Metabolism. Identifiers: MedGen CN043592.
Methylcobalamin deficiency type cblG (HMAG). Also called: HOMOCYSTINURIA-MEGALOBLASTIC ANEMIA, cblG TYPE; Functional methionine synthase deficiency type cblG; HOMOCYSTINURIA-MEGALOBLASTIC ANEMIA DUE TO DEFECT IN COBALAMIN METABOLISM, cblG COMPLEMENTATION TYPE; HOMOCYSTINURIA-MEGALOBLASTIC ANEMIA, cblG COMPLEMENTATION TYPE. Identifiers: Orphanet 2170, Orphanet 622, MedGen C1855128, MONDO:0009609, OMIM 250940.

Allele frequency attached by ClinVar (database versions not stated): gnomAD 0.00006; gnomAD exomes 0.00011 and 0.00052; TOPMed 0.00019; 1000 Genomes Project 0.00020; 1000 Genomes Project 30x 0.00031; ExAC 0.00049.
gnomAD v4.1: 160 of 1,609,126 alleles (0.0099%); highest among the groups gnomAD compares: Admixed American, 0.26%; 2 homozygotes.

Submissions (3):

Labcorp Genetics (formerly Invitae), Labcorp
Classification: Benign for Methylcobalamin deficiency type cblG. Last evaluated: 2026-01-25. Review status: criteria provided, single submitter. Criteria: Invitae Variant Classification Sherloc (09022015). Collection method: clinical testing. Allele origin: germline.

Illumina Laboratory Services, Illumina
Classification: Likely benign for Disorders of Intracellular Cobalamin Metabolism. Last evaluated: 2018-01-13. Review status: criteria provided, single submitter. Criteria: ICSL Variant Classification Criteria 13 December 2019. Collection method: clinical testing. Allele origin: germline.
Comment: This variant was observed in the ICSL laboratory as part of a predisposition screen in an ostensibly healthy population. It had not been previously curated by ICSL or reported in the Human Gene Mutation Database (HGMD: prior to June 1st, 2018), and was therefore a candidate for classification through an automated scoring system. Utilizing variant allele frequency, disease prevalence and penetrance estimates, and inheritance mode, an automated score was calculated to assess if this variant is too frequent to cause the disease. Based on the score and internal cut-off values, a variant classified as likely benign is not then subjected to further curation. The score for this variant resulted in a classification of likely benign for this disease.

GeneDx
Classification: Likely benign. Last evaluated: 2016-11-11. Review status: criteria provided, single submitter. Criteria: GeneDx Variant Classification (06012015). Collection method: clinical testing. Allele origin: germline. Affected: yes.
Comment: This variant is considered likely benign or benign based on one or more of the following criteria: it is a conservative change, it occurs at a poorly conserved position in the protein, it is predicted to be benign by multiple in silico algorithms, and/or has population frequency not consistent with disease.